The following is an entry in ClinVar:

NM_024740.2(ALG9):c.98G>A (p.Ser33Asn)

Genes: ALG9 (ALG9 alpha-1,2-mannosyltransferase; minus strand), LOC130006752 (ATAC-STARR-seq lymphoblastoid silent region 3902; plus strand). Cytogenetic location: 11q23.1.
Variant type: single nucleotide variant.
Coding change: c.98G>A on transcript NM_024740.2 (MANE Select); coding-DNA position 98, G replaced by A.
Protein change: p.Ser33Asn; replaces serine 33 with asparagine.
Molecular consequence: missense variant. On other transcripts: 5 prime UTR variant (3).
Genome position (GRCh38, 1-based): chr11:111,871,385, C>T on the plus strand (G>A on the coding strand, the complement: ALG9 is on the minus strand). VCF-style: chr11-111871385-C-T. GRCh37 (hg19) VCF-style: chr11-111742108-C-T.
Other names: c.98G>A, p.Ser33Asn (NM_001077690.1, NM_001352417.1, NM_001352418.1); c.-277G>A (NM_001352409.1); c.-420G>A (NM_001352410.1, NM_001352413.1); short protein forms S33N.
Identifiers: ClinVar variation 841594 (VCV000841594.8), dbSNP rs1964247669, ClinGen allele CA382616566.

ClinVar aggregate classification (germline): Uncertain significance (1 of 4 stars; one submission).

Conditions:
ALG9 congenital disorder of glycosylation (CDG1L). Also called: CONGENITAL DISORDER OF GLYCOSYLATION, TYPE Il; ALG9-CDG; CDG Il. Identifiers: Orphanet 79328, MedGen C2931006, MONDO:0012117, OMIM 608776.

Allele frequency attached by ClinVar (database versions not stated): gnomAD exomes below 0.00001.
gnomAD v4.1: 1 of 1,533,822 alleles (0.000065%); highest among the groups gnomAD compares: Non-Finnish European, 0.000087%; no homozygotes.

Submission:

Labcorp Genetics (formerly Invitae), Labcorp
Classification: Uncertain significance for ALG9 congenital disorder of glycosylation. Last evaluated: 2024-11-05. Review status: criteria provided, single submitter. Criteria: Invitae Variant Classification Sherloc (09022015). Collection method: clinical testing. Allele origin: germline.
Comment: This sequence change replaces serine, which is neutral and polar, with asparagine, which is neutral and polar, at codon 33 of the ALG9 protein (p.Ser33Asn). This variant is not present in population databases (gnomAD no frequency). This variant has not been reported in the literature in individuals affected with ALG9-related conditions. ClinVar contains an entry for this variant (Variation ID: 841594). Experimental studies and prediction algorithms are not available or were not evaluated, and the functional significance of this variant is currently unknown. In summary, the available evidence is currently insufficient to determine the role of this variant in disease. Therefore, it has been classified as a Variant of Uncertain Significance.